The following is an entry in ClinVar:

ClinVar aggregate classification (germline): Likely benign. Review status: criteria provided, multiple submitters, no conflicts (2 of 4 stars). 2 submissions from 2 submitters: Likely benign (2). Last evaluated 2025-06-04.

Conditions:
EHMT1-related disorder. Also called: EHMT1-related condition.
Kleefstra syndrome 1 (KLEFS1). Identifiers: Orphanet 261494, MedGen C0795833, MONDO:0027407, OMIM 610253.

Allele frequency attached by ClinVar (database versions not stated): gnomAD exomes below 0.00001; ExAC 0.00001; gnomAD 0.00001.
gnomAD v4.1: 3 of 1,614,034 alleles (0.00019%); highest among the groups gnomAD compares: South Asian, 0.0011%; no homozygotes.

Submissions (2):

PreventionGenetics, part of Exact Sciences
Classification: Likely benign for EHMT1-related condition. Last evaluated: 2025-06-04. Review status: criteria provided, single submitter. Criteria: ACMG Guidelines, 2015. Collection method: clinical testing. Allele origin: germline.
Comment: This variant is classified as likely benign based on ACMG/AMP sequence variant interpretation guidelines (Richards et al. 2015 PMID: 25741868, with internal and published modifications).

Labcorp Genetics (formerly Invitae), Labcorp
Classification: Likely benign for Kleefstra syndrome 1. Last evaluated: 2024-01-24. Review status: criteria provided, single submitter. Criteria: Invitae Variant Classification Sherloc (09022015). Collection method: clinical testing. Allele origin: germline.

NM_024757.5(EHMT1):c.969T>C (p.Thr323=)

Gene: EHMT1 (euchromatic histone lysine methyltransferase 1; plus strand). Cytogenetic location: 9q34.3.
Variant type: single nucleotide variant.
Coding change: c.969T>C on transcript NM_024757.5 (MANE Select); coding-DNA position 969, T replaced by C.
Protein change: p.Thr323=; no amino-acid change (threonine 323 retained).
Molecular consequence: synonymous variant.
Genome position (GRCh38, 1-based): chr9:137,743,516, T>C. VCF-style: chr9-137743516-T-C. GRCh37 (hg19) VCF-style: chr9-140637968-T-C.
Other names: c.969T>C (NM_024757.4); c.969T>C, p.Thr323= (NM_001145527.2, NM_001354611.2); c.876T>C, p.Thr292= (NM_001354259.2, NM_001354612.2); c.948T>C, p.Thr316= (NM_001354263.2).
Identifiers: ClinVar variation 2711137 (VCV002711137.4), dbSNP rs776328408, ClinGen allele CA5374453.